The following is an entry in ClinVar:

ClinVar aggregate classification (germline): Uncertain significance. Review status: criteria provided, multiple submitters, no conflicts (2 of 4 stars). 3 submissions from 3 submitters: Uncertain significance (3). Last evaluated 2025-10-22.

Conditions:
Hereditary cancer-predisposing syndrome. Also called: Hereditary Cancer Syndrome; Hereditary neoplastic syndrome; Neoplastic Syndromes, Hereditary; Tumor predisposition. Identifiers: Orphanet 140162, MedGen C0027672, MeSH D009386, MONDO:0015356.
Familial adenomatous polyposis 1 (FAP1). Also called: FAMILIAL ADENOMATOUS POLYPOSIS 1, ATTENUATED; POLYPOSIS, ADENOMATOUS INTESTINAL. Identifiers: MedGen C2713442, MONDO:0021056, OMIM 175100. Disease mechanism: loss of function.
Classic or attenuated familial adenomatous polyposis. Identifiers: MedGen CN372698, MONDO:0021057.

Allele frequency attached by ClinVar (database versions not stated): gnomAD exomes below 0.00001; TOPMed below 0.00001; gnomAD 0.00001.
gnomAD v4.1: 3 of 1,614,064 alleles (0.00019%); highest among the groups gnomAD compares: African/African-American, 0.0027%; no homozygotes.

Submissions (3):

Ambry Genetics
Classification: Uncertain significance for Hereditary cancer-predisposing syndrome. Last evaluated: 2025-10-22. Review status: criteria provided, single submitter. Criteria: Ambry Variant Classification Scheme 2023. Collection method: clinical testing. Allele origin: germline.
Comment: The p.E1306K variant (also known as c.3916G>A), located in coding exon 15 of the APC gene, results from a G to A substitution at nucleotide position 3916. The glutamic acid at codon 1306 is replaced by lysine, an amino acid with similar properties. This amino acid position is well conserved in available vertebrate species. In addition, in silico predictors for this gene do not accurately predict pathogenicity. Missense alterations in APC are not a common cause of disease (Spier I et al. Genet Med. 2024 Feb;26(2):100992). Based on the available evidence, the clinical significance of this variant remains unclear.

Labcorp Genetics (formerly Invitae), Labcorp
Classification: Uncertain significance for Familial adenomatous polyposis 1. Last evaluated: 2024-08-13. Review status: criteria provided, single submitter. Criteria: Invitae Variant Classification Sherloc (09022015). Collection method: clinical testing. Allele origin: germline.
Comment: This sequence change replaces glutamic acid, which is acidic and polar, with lysine, which is basic and polar, at codon 1306 of the APC protein (p.Glu1306Lys). This variant is not present in population databases (gnomAD no frequency). This variant has not been reported in the literature in individuals affected with APC-related conditions. Advanced modeling of protein sequence and biophysical properties (such as structural, functional, and spatial information, amino acid conservation, physicochemical variation, residue mobility, and thermodynamic stability) performed at Invitae indicates that this missense variant is not expected to disrupt APC protein function with a negative predictive value of 95%. In summary, the available evidence is currently insufficient to determine the role of this variant in disease. Therefore, it has been classified as a Variant of Uncertain Significance.

All of Us Research Program, National Institutes of Health
Classification: Uncertain significance for Classic or attenuated familial adenomatous polyposis. Last evaluated: 2023-06-26. Review status: criteria provided, single submitter. Criteria: ACMG Guidelines, 2015. Collection method: clinical testing. Allele origin: germline. Inheritance: Autosomal dominant inheritance. Observed: 1 variant allele, 1 heterozygote.
Comment: This missense variant replaces glutamic acid with lysine at codon 1306 of the APC protein. Computational prediction suggests that this variant may not impact protein structure and function (internally defined REVEL score threshold <= 0.5, PMID: 27666373). To our knowledge, functional studies have not been reported for this variant. This variant has not been reported in individuals affected with APC-related disorders in the literature. This variant has not been identified in the general population by the Genome Aggregation Database (gnomAD). The available evidence is insufficient to determine the role of this variant in disease conclusively. Therefore, this variant is classified as a Variant of Uncertain Significance.

This study involves interpretation of variants in research participants for the purpose of population health screening. Participant phenotype was not available at the time of variant classification. Additional details can be found in publication PMID: 35346344, PMCID: PMC8962531

NM_000038.6(APC):c.3916G>A (p.Glu1306Lys)

Gene: APC (APC regulator of Wnt signaling pathway; plus strand). Cytogenetic location: 5q22.2.
Variant type: single nucleotide variant.
Coding change: c.3916G>A on transcript NM_000038.6 (MANE Select); coding-DNA position 3916, G replaced by A.
Protein change: p.Glu1306Lys; replaces glutamic acid 1306 with lysine.
Molecular consequence: missense variant. On other transcripts: non-coding transcript variant (2).
Genome position (GRCh38, 1-based): chr5:112,839,510, G>A. VCF-style: chr5-112839510-G-A. GRCh37 (hg19) VCF-style: chr5-112175207-G-A.
Other names: c.3916G>A (NM_000038.5); c.3916G>A, p.Glu1306Lys (NM_001127510.3, NM_001354895.2, NM_001407450.1); c.3862G>A, p.Glu1288Lys (NM_001127511.3); c.3970G>A, p.Glu1324Lys (NM_001354896.2, NM_001407447.1, NM_001407448.1 and 1 more transcripts); c.3946G>A, p.Glu1316Lys (NM_001354897.2); c.3841G>A, p.Glu1281Lys (NM_001354898.2); c.3832G>A, p.Glu1278Lys (NM_001354899.2); c.3793G>A, p.Glu1265Lys (NM_001354900.2); and 12 more; short protein forms E1177K, E1223K, E1306K, E1334K, E1146K, E1205K, E1247K, E922K.
Identifiers: ClinVar variation 2999049 (VCV002999049.6), dbSNP rs121913462, ClinGen allele CA16029923.